The following is an entry in ClinVar:

ClinVar aggregate classification (germline): Likely benign. Review status: criteria provided, multiple submitters, no conflicts (2 of 4 stars). 2 submissions from 2 submitters: Likely benign (2). Last evaluated 2024-10-25.

Allele frequency attached by ClinVar (database versions not stated): gnomAD exomes below 0.00001 and 0.00001; TOPMed below 0.00001; ExAC 0.00001.
gnomAD v4.1: 1 of 1,609,686 alleles (0.000062%); highest among the groups gnomAD compares: Non-Finnish European, 0.000085%; no homozygotes.

Submissions (2):

Labcorp Genetics (formerly Invitae), Labcorp
Classification: Likely benign. Last evaluated: 2024-10-25. Review status: criteria provided, single submitter. Criteria: Invitae Variant Classification Sherloc (09022015). Collection method: clinical testing. Allele origin: germline.

CeGaT Center for Human Genetics Tuebingen
Classification: Likely benign. Last evaluated: 2022-10-01. Review status: criteria provided, single submitter. Criteria: CeGaT Center For Human Genetics Tuebingen Variant Classification Criteria Version 2. Collection method: clinical testing. Allele origin: germline. Affected: yes. Observed: 1 variant allele.
Comment: CAD: BP4, BS2

NM_004341.5(CAD):c.6108G>A (p.Lys2036=)

Gene: CAD (carbamoyl-phosphate synthetase 2, aspartate transcarbamylase, and dihydroorotase; plus strand). Cytogenetic location: 2p23.3.
Variant type: single nucleotide variant.
Coding change: c.6108G>A on transcript NM_004341.5 (MANE Select); coding-DNA position 6108, G replaced by A.
Protein change: p.Lys2036=; no amino-acid change (lysine 2036 retained).
Molecular consequence: synonymous variant.
Genome position (GRCh38, 1-based): chr2:27,242,313, G>A. VCF-style: chr2-27242313-G-A. GRCh37 (hg19) VCF-style: chr2-27465181-G-A.
Other names: c.5919G>A, p.Lys1973= (NM_001306079.2).
Identifiers: ClinVar variation 1602398 (VCV001602398.32), dbSNP rs750417178, ClinGen allele CA1574129.